The following is an entry in ClinVar:

ClinVar aggregate classification (germline): Uncertain significance (1 of 4 stars; one submission).

Submission:

Labcorp Genetics (formerly Invitae), Labcorp
Classification: Uncertain significance. Last evaluated: 2025-12-06. Review status: criteria provided, single submitter. Criteria: Invitae Variant Classification Sherloc (09022015). Collection method: clinical testing. Allele origin: germline.
Comment: This sequence change replaces glycine, which is neutral and non-polar, with valine, which is neutral and non-polar, at codon 341 of the MTOR protein (p.Gly341Val). This variant is not present in population databases (gnomAD no frequency). This variant has not been reported in the literature in individuals affected with MTOR-related conditions. Invitae Evidence Modeling of protein sequence and biophysical properties (such as structural, functional, and spatial information, amino acid conservation, physicochemical variation, residue mobility, and thermodynamic stability) indicates that this missense variant is not expected to disrupt MTOR protein function with a negative predictive value of 95%. In summary, the available evidence is currently insufficient to determine the role of this variant in disease. Therefore, it has been classified as a Variant of Uncertain Significance.

NM_004958.4(MTOR):c.1022G>T (p.Gly341Val)

Gene: MTOR (mechanistic target of rapamycin kinase; minus strand). Cytogenetic location: 1p36.22.
Variant type: single nucleotide variant.
Coding change: c.1022G>T on transcript NM_004958.4 (MANE Select); coding-DNA position 1022, G replaced by T.
Protein change: p.Gly341Val; replaces glycine 341 with valine.
Molecular consequence: missense variant. On other transcripts: 5 prime UTR variant (1).
Genome position (GRCh38, 1-based): chr1:11,247,913, C>A on the plus strand (G>T on the coding strand, the complement: MTOR is on the minus strand). VCF-style: chr1-11247913-C-A. GRCh37 (hg19) VCF-style: chr1-11307970-C-A.
Other names: c.1022G>T, p.Gly341Val (NM_001386500.1); c.-118G>T (NM_001386501.1); short protein forms G341V.
Identifiers: ClinVar variation 4797650 (VCV004797650.1).